The following is an entry in ClinVar:

ClinVar aggregate classification (germline): Pathogenic (1 of 4 stars; one submission).

Submission:

Labcorp Genetics (formerly Invitae), Labcorp
Classification: Pathogenic. Last evaluated: 2023-10-13. Review status: criteria provided, single submitter. Criteria: Invitae Variant Classification Sherloc (09022015). Collection method: clinical testing. Allele origin: germline.
Comment: This sequence change creates a premature translational stop signal (p.Thr2108Glnfs*43) in the LOXHD1 gene. While this is not anticipated to result in nonsense mediated decay, it is expected to disrupt the last 104 amino acid(s) of the LOXHD1 protein. This variant is present in population databases (no rsID available, gnomAD 0.004%). This variant has not been reported in the literature in individuals affected with LOXHD1-related conditions. ClinVar contains an entry for this variant (Variation ID: 1376099). This variant disrupts a region of the LOXHD1 protein in which other variant(s) (p.Gly2118Glu) have been determined to be pathogenic (PMID: 29676012). This suggests that this is a clinically significant region of the protein, and that variants that disrupt it are likely to be disease-causing. For these reasons, this variant has been classified as Pathogenic.

Literature cited by the submitters: PubMed 29676012.

NM_001384474.1(LOXHD1):c.6508_6515del (p.Thr2170fs)

Gene: LOXHD1 (lipoxygenase homology PLAT domains 1; minus strand). Cytogenetic location: 18q21.1.
Variant type: Deletion.
Coding change: c.6508_6515del on transcript NM_001384474.1 (MANE Select); coding-DNA positions 6508 to 6515, 8 bases deleted (ACTGATGC; older notation c.6508_6515delACTGATGC).
Protein change: p.Thr2170fs; shifts the reading frame from threonine 2170.
Molecular consequence: frameshift variant.
Genome position (GRCh38, 1-based): chr18:46,477,779-46,477,786, GCATCAGT deleted on the plus strand (ACTGATGC on the coding strand, the reverse complement: LOXHD1 is on the minus strand); deleting any 8 consecutive bases within chr18:46,477,779-46,477,788 gives the same sequence; the c. name uses the placement nearest the transcript's 3' end. VCF-style (leftmost placement, unchanged base first): chr18-46477778-GGCATCAGT-G. GRCh37 (hg19) VCF-style: chr18-44057741-GGCATCAGT-G.
Other names: c.3175_3182del, p.Thr1059fs (NM_001145472.3); c.1225_1232del, p.Thr409fs (NM_001145473.3, NM_001173129.2); c.2887_2894del, p.Thr963fs (NM_001308013.2); c.6322_6329del, p.Thr2108fs (NM_144612.7); short protein forms T409fs, T963fs, T2170fs, T1059fs, T2108fs.
Identifiers: ClinVar variation 1376099 (VCV001376099.6), dbSNP rs1568061304, ClinGen allele CA629924171.